The following is an entry in ClinVar:

ClinVar aggregate classification (germline): Likely benign. Review status: criteria provided, multiple submitters, no conflicts (2 of 4 stars). 2 submissions from 2 submitters: Likely benign (2). Last evaluated 2025-12-08.

Conditions:
Multiple endocrine neoplasia, type 2 (MEN2). Identifiers: Orphanet 653, MedGen C4048306, MONDO:0019003. Disease mechanism: gain of function.

Allele frequency attached by ClinVar (database versions not stated): ExAC 0.00001; TOPMed 0.00001; gnomAD 0.00002 and 0.00003; gnomAD exomes 0.00002; ESP Exome Variant Server 0.00008; 1000 Genomes Project 0.00020; 1000 Genomes Project 30x 0.00031.
gnomAD v4.1: 30 of 1,613,764 alleles (0.0019%); highest among the groups gnomAD compares: Non-Finnish European, 0.0024%; no homozygotes.

Submissions (2):

Labcorp Genetics (formerly Invitae), Labcorp
Classification: Likely benign for Multiple endocrine neoplasia, type 2. Last evaluated: 2025-12-08. Review status: criteria provided, single submitter. Criteria: Invitae Variant Classification Sherloc (09022015). Collection method: clinical testing. Allele origin: germline.

Women's Health and Genetics/Laboratory Corporation of America, LabCorp
Classification: Likely benign. Last evaluated: 2025-01-09. Review status: criteria provided, single submitter. Criteria: LabCorp Variant Classification Summary - May 2015. Collection method: clinical testing. Allele origin: germline.
Comment: Variant summary: RET c.625+10G>A alters a nucleotide located at a position not widely known to affect splicing. Consensus agreement among computation tools predict no significant impact on normal splicing. However, these predictions have yet to be confirmed by functional studies. The variant allele was found at a frequency of 2e-05 in 250442 control chromosomes (gnomAD). The available data on variant occurrences in the general population are insufficient to allow any conclusion about variant significance. To our knowledge, no occurrence of c.625+10G>A in individuals affected with Multiple Endocrine Neoplasia Type 2 and no experimental evidence demonstrating its impact on protein function have been reported. ClinVar contains an entry for this variant (Variation ID: 701551). Based on the evidence outlined above, the variant was classified as likely benign.

NM_020975.6(RET):c.625+10G>A

Gene: RET (ret proto-oncogene; plus strand). Cytogenetic location: 10q11.21.
Variant type: single nucleotide variant.
Coding change: c.625+10G>A on transcript NM_020975.6 (MANE Select); 10 bases into the intron after coding-DNA position 625, G replaced by A.
Molecular consequence: intron variant.
Genome position (GRCh38, 1-based): chr10:43,102,639, G>A. VCF-style: chr10-43102639-G-A. GRCh37 (hg19) VCF-style: chr10-43598087-G-A.
Other names: c.625+10G>A (NM_020630.7, NM_001406743.1, NM_001406744.1 and 14 more transcripts); c.496+10G>A (NM_001406764.1, NM_001406762.1, NM_001406761.1 and 4 more transcripts); c.337+1917G>A (NM_001406770.1, NM_001406766.1, NM_001406767.1 and 8 more transcripts); c.74-6392G>A (NM_001406784.1); c.74-9460G>A (NM_001406794.1, NM_001406792.1, NM_001406793.1).
Identifiers: ClinVar variation 701551 (VCV000701551.14), dbSNP rs371974705, ClinGen allele CA044127.